The following is an entry in ClinVar:

NM_138694.4(PKHD1):c.9683C>A (p.Ser3228Ter)

Gene: PKHD1 (PKHD1 ciliary IPT domain containing fibrocystin/polyductin; minus strand). Cytogenetic location: 6p12.3.
Variant type: single nucleotide variant.
Coding change: c.9683C>A on transcript NM_138694.4 (MANE Select); coding-DNA position 9683, C replaced by A.
Protein change: p.Ser3228Ter; replaces serine 3228 with a stop codon.
Molecular consequence: nonsense.
Genome position (GRCh38, 1-based): chr6:51,747,933, G>T on the plus strand (C>A on the coding strand, the complement: PKHD1 is on the minus strand). VCF-style: chr6-51747933-G-T. GRCh37 (hg19) VCF-style: chr6-51612731-G-T.
Other names: p.Ser3228*; c.9683C>A, p.Ser3228Ter (NM_170724.3); short protein forms S3228*.
Identifiers: ClinVar variation 370381 (VCV000370381.17), dbSNP rs1057516445, ClinGen allele CA16041032.

ClinVar aggregate classification (germline): Pathogenic/Likely pathogenic. Review status: criteria provided, multiple submitters, no conflicts (2 of 4 stars). 6 submissions from 6 submitters: Pathogenic (4); Likely pathogenic (1). 1 of the submissions does not count toward it. Last evaluated 2025-06-09.

Conditions:
PKHD1-related disorder. Also called: PKHD1-related condition.
Autosomal recessive polycystic kidney disease (ARPKD). Also called: AR polycystic kidney disease. Identifiers: Orphanet 731, Orphanet 8378, MedGen C0085548, MeSH D017044, MONDO:0009889.
Polycystic kidney disease 4 (PKD4). Also called: Autosomal Recessive Polycystic Kidney Disease – PKHD1; PKD3; POLYCYSTIC KIDNEY DISEASE 4 WITH OR WITHOUT POLYCYSTIC LIVER DISEASE; POLYCYSTIC KIDNEY AND HEPATIC DISEASE 1; POLYCYSTIC KIDNEY DISEASE, INFANTILE, TYPE I. Identifiers: MedGen C4540575, MONDO:0033004, OMIM 263200.

Allele frequency attached by ClinVar (database versions not stated): gnomAD exomes below 0.00001.
gnomAD v4.1: 4 of 1,614,072 alleles (0.00025%); highest among the groups gnomAD compares: Non-Finnish European, 0.00034%; no homozygotes.

Submissions (6):

Mayo Clinic Laboratories, Mayo Clinic
Classification: Pathogenic. Last evaluated: 2025-06-09. Review status: criteria provided, single submitter. Criteria: ACMG Guidelines, 2015. Collection method: clinical testing. Allele origin: germline. Observed: 1 variant allele.
Comment: PM2_supporting, PM3_supporting, PVS1

Natera, Inc.
Classification: Pathogenic for Autosomal recessive polycystic kidney disease. Last evaluated: 2025-05-19. Review status: criteria provided, single submitter. Criteria: Natera Variant Classification Schema (03/2026). Collection method: clinical testing. Allele origin: germline.
Comment: The c.9683C>A variant in PKHD1 is a nonsense variant predicted to introduce a stop codon at amino acid 3228. This variant is expected to result in nonsense mediated decay, truncation, or a dysfunctional protein product. This variant is rare in the general population with a frequency below the threshold expected for the associated phenotype(s). This variant has been observed in one or more individuals affected with the associated recessive disease, as either homozygous or compound heterozygous with a second variant (PMID: 16133180). Given the available evidence, this variant is classified as Pathogenic.

PreventionGenetics, part of Exact Sciences
Classification: Pathogenic for PKHD1-related condition. Last evaluated: 2025-05-14. Review status: criteria provided, single submitter. Criteria: ACMG Guidelines, 2015. Collection method: clinical testing. Allele origin: germline.
Comment: The PKHD1 c.9683C>A variant is predicted to result in premature protein termination (p.Ser3228*). This variant was reported along with another PKHD1 variant in an individual with polycystic kidney disease (Losekoot et al. 2005. PubMed ID: 16133180). This variant has not been reported in a large population database (gnomAD), indicating this variant is rare. Nonsense variants in PKHD1 are expected to be pathogenic. This variant is interpreted as pathogenic.

Labcorp Genetics (formerly Invitae), Labcorp
Classification: Pathogenic for Autosomal recessive polycystic kidney disease. Last evaluated: 2024-02-26. Review status: criteria provided, single submitter. Criteria: Invitae Variant Classification Sherloc (09022015). Collection method: clinical testing. Allele origin: germline.
Comment: This sequence change creates a premature translational stop signal (p.Ser3228*) in the PKHD1 gene. It is expected to result in an absent or disrupted protein product. Loss-of-function variants in PKHD1 are known to be pathogenic (PMID: 19940839). This variant is not present in population databases (gnomAD no frequency). This premature translational stop signal has been observed in individual(s) with autosomal recessive polycystic kidney disease (PMID: 16133180). ClinVar contains an entry for this variant (Variation ID: 370381). Algorithms developed to predict the effect of sequence changes on RNA splicing suggest that this variant may disrupt the consensus splice site. For these reasons, this variant has been classified as Pathogenic.

Women's Health and Genetics/Laboratory Corporation of America, LabCorp
Classification: Likely pathogenic for Autosomal recessive polycystic kidney disease. Last evaluated: 2021-07-11. Review status: criteria provided, single submitter. Criteria: LabCorp Variant Classification Summary - May 2015. Collection method: clinical testing. Allele origin: germline.
Comment: Variant summary: PKHD1 c.9683C>A (p.Ser3228X) results in a premature termination codon, predicted to cause a truncation of the encoded protein or absence of the protein due to nonsense mediated decay, which are commonly known mechanisms for disease. Truncations downstream of this position have been classified as pathogenic by our laboratory. The variant was absent in 251218 control chromosomes. c.9683C>A has been reported in the literature in at-least one compound heterozygote individual affected with Polycystic Kidney Disease (example, Losekoot_2005). To our knowledge, no experimental evidence demonstrating an impact on protein function has been reported. Two clinical diagnostic laboratories have submitted clinical-significance assessments for this variant to ClinVar after 2014 without evidence for independent evaluation. All laboratories classified the variant as pathogenic (n=1)/likely pathogenic (n=1). Based on the evidence outlined above, the variant was classified as likely pathogenic.

Counsyl
Classification: Likely pathogenic for Polycystic kidney disease 4. Last evaluated: 2016-01-28. Review status: no assertion criteria provided. Collection method: clinical testing. Allele origin: unknown. Not counted in ClinVar's aggregate classification.

Literature cited by the submitters: PubMed 16133180 (cited by 5 submitters); PubMed 19940839 (cited by Labcorp Genetics (formerly Invitae), Labcorp).